The following is an entry in ClinVar:

NM_017757.3(ZNF407):c.4278G>A (p.Leu1426=)

Gene: ZNF407 (zinc finger protein 407; plus strand). Cytogenetic location: 18q22.3.
Variant type: single nucleotide variant.
Coding change: c.4278G>A on transcript NM_017757.3 (MANE Select); coding-DNA position 4278, G replaced by A.
Protein change: p.Leu1426=; no amino-acid change (leucine 1426 retained).
Molecular consequence: synonymous variant.
Genome position (GRCh38, 1-based): chr18:74,635,297, G>A. VCF-style: chr18-74635297-G-A. GRCh37 (hg19) VCF-style: chr18-72347253-G-A.
Other names: c.4278G>A, p.Leu1426= (NM_001146189.1, NM_001146190.1, NM_001384475.1).
Identifiers: ClinVar variation 212670 (VCV000212670.21), dbSNP rs201719725, ClinGen allele CA208659.
Genomic context (GRCh38, chr18:74,635,297, plus strand): 5'-TTCCATTGGTGAGTCTACACGAATTCGCTGTGATGATTGTGGCTTCTTAGCAGATGGACT[G>A]AGTGGACTGAATGTTCACATAGCCATGAAGCATCCTACAAAAGAGAAGCACTTCCATTGT-3'
Protein context (NP_060227.2, residues 1416-1436): CDDCGFLADG[Leu1426=]SGLNVHIAMK

ClinVar aggregate classification (germline): Benign/Likely benign. Review status: criteria provided, multiple submitters, no conflicts (2 of 4 stars). 3 submissions from 3 submitters: Benign (1); Likely benign (2). Last evaluated 2025-12-01.

Allele frequency attached by ClinVar (database versions not stated): 1000 Genomes Project 30x 0.00016; 1000 Genomes Project 0.00020; TOPMed 0.00198; gnomAD 0.00218 and 0.00231; gnomAD exomes 0.00223 and 0.00355; ExAC 0.00260; ESP Exome Variant Server 0.00307.
gnomAD v4.1: 5,476 of 1,614,024 alleles (0.34%); highest among the groups gnomAD compares: Non-Finnish European, 0.43%; 12 homozygotes.

Submissions (3):

CeGaT Center for Human Genetics Tuebingen
Classification: Likely benign. Last evaluated: 2025-12-01. Review status: criteria provided, single submitter. Criteria: CeGaT Center For Human Genetics Tuebingen Variant Classification Criteria Version 2. Collection method: clinical testing. Allele origin: germline. Affected: yes. Observed: 4 variant alleles.
Comment: ZNF407: BP4, BP7

Labcorp Genetics (formerly Invitae), Labcorp
Classification: Benign. Last evaluated: 2019-12-31. Review status: criteria provided, single submitter. Criteria: Invitae Variant Classification Sherloc (09022015). Collection method: clinical testing. Allele origin: germline.

Genetic Services Laboratory, University of Chicago
Classification: Likely benign. Last evaluated: 2018-08-01. Review status: criteria provided, single submitter. Criteria: ACMG Guidelines, 2015. Collection method: clinical testing. Allele origin: germline. Affected: no.